The following is an entry in ClinVar:

ClinVar aggregate classification (germline): Uncertain significance (1 of 4 stars; one submission).

Submission:

Labcorp Genetics (formerly Invitae), Labcorp
Classification: Uncertain significance. Last evaluated: 2023-05-15. Review status: criteria provided, single submitter. Criteria: Invitae Variant Classification Sherloc (09022015). Collection method: clinical testing. Allele origin: germline.
Comment: In summary, the available evidence is currently insufficient to determine the role of this variant in disease. Therefore, it has been classified as a Variant of Uncertain Significance. An algorithm developed to predict the effect of missense changes on protein structure and function (PolyPhen-2) suggests that this variant is likely to be disruptive. ClinVar contains an entry for this variant (Variation ID: 1380096). This variant has not been reported in the literature in individuals affected with TOP2B-related conditions. This variant is not present in population databases (gnomAD no frequency). This sequence change replaces lysine, which is basic and polar, with methionine, which is neutral and non-polar, at codon 1255 of the TOP2B protein (p.Lys1255Met).

NM_001330700.2(TOP2B):c.3779A>T (p.Lys1260Met)

Gene: TOP2B (DNA topoisomerase II beta; minus strand). Cytogenetic location: 3p24.2.
Variant type: single nucleotide variant.
Coding change: c.3779A>T on transcript NM_001330700.2 (MANE Select); coding-DNA position 3779, A replaced by T.
Protein change: p.Lys1260Met; replaces lysine 1260 with methionine.
Molecular consequence: missense variant.
Genome position (GRCh38, 1-based): chr3:25,612,522, T>A on the plus strand (A>T on the coding strand, the complement: TOP2B is on the minus strand). VCF-style: chr3-25612522-T-A. GRCh37 (hg19) VCF-style: chr3-25654013-T-A.
Other names: c.3764A>T, p.Lys1255Met (NM_001068.3); short protein forms K1260M, K1255M.
Identifiers: ClinVar variation 1380096 (VCV001380096.6), dbSNP rs2125355196, ClinGen allele CA351894635.